The following is an entry in ClinVar:

NM_001267550.2(TTN):c.102322G>C (p.Ala34108Pro)

Genes: TTN (titin; minus strand), TTN-AS1 (TTN antisense RNA 1; plus strand). Cytogenetic location: 2q31.2.
Variant type: single nucleotide variant.
Coding change: c.102322G>C on transcript NM_001267550.2 (MANE Select); coding-DNA position 102322, G replaced by C.
Protein change: p.Ala34108Pro; replaces alanine 34108 with proline.
Molecular consequence: missense variant.
Genome position (GRCh38, 1-based): chr2:178,534,293, C>G on the plus strand (G>C on the coding strand, the complement: TTN is on the minus strand). VCF-style: chr2-178534293-C-G. GRCh37 (hg19) VCF-style: chr2-179399020-C-G.
Other names: c.97399G>C, p.Ala32467Pro (NM_001256850.1); c.75127G>C, p.Ala25043Pro (NM_003319.4); c.94618G>C, p.Ala31540Pro (NM_133378.4); c.75502G>C, p.Ala25168Pro (NM_133432.3); c.75703G>C, p.Ala25235Pro (NM_133437.4); short protein forms A32467P, A31540P, A25043P, A25235P, A34108P, A25168P.
Identifiers: ClinVar variation 4788573 (VCV004788573.1).

ClinVar aggregate classification (germline): Uncertain significance (1 of 4 stars; one submission).

Conditions:
Autosomal recessive limb-girdle muscular dystrophy type 2J (LGMDR10). Also called: Limb-girdle muscular dystrophy, type 2J; MUSCULAR DYSTROPHY, LIMB-GIRDLE, AUTOSOMAL RECESSIVE 10. Identifiers: Orphanet 140922, MedGen C1837342, MONDO:0012127, OMIM 608807.
Dilated cardiomyopathy 1G (CMD1G). Identifiers: Orphanet 154, MedGen C1858763, MONDO:0011400, OMIM 604145.

gnomAD v4.1: 2 of 1,613,850 alleles (0.00012%); highest among the groups gnomAD compares: South Asian, 0.0011%; no homozygotes.

Submission:

Labcorp Genetics (formerly Invitae), Labcorp
Classification: Uncertain significance for Dilated cardiomyopathy 1G; Autosomal recessive limb-girdle muscular dystrophy type 2J. Last evaluated: 2025-07-27. Review status: criteria provided, single submitter. Criteria: Invitae Variant Classification Sherloc (09022015). Collection method: clinical testing. Allele origin: germline.
Comment: This sequence change replaces alanine, which is neutral and non-polar, with proline, which is neutral and non-polar, at codon 34108 of the TTN protein (p.Ala34108Pro). This variant is not present in population databases (gnomAD no frequency). This variant has not been reported in the literature in individuals affected with TTN-related conditions. Experimental studies and prediction algorithms are not available or were not evaluated, and the functional significance of this variant is currently unknown. This variant is located in the M band of TTN (PMID: 25589632). Non-truncating variants in this region may be relevant for neuromuscular disorders, but have not been definitively shown to cause cardiomyopathy (PMID: 23975875). In summary, the available evidence is currently insufficient to determine the role of this variant in disease. Therefore, it has been classified as a Variant of Uncertain Significance.

Literature cited by the submitters: PubMed 25589632; PubMed 23975875.